The following is an entry in ClinVar:

ClinVar aggregate classification (germline): Uncertain significance (1 of 4 stars; one submission).

Conditions:
Pitt-Hopkins-like syndrome 2 (PTHSL2). Identifiers: Orphanet 221150, Orphanet 600663, MedGen C3280479, MONDO:0013690, OMIM 614325.

Submission:

Labcorp Genetics (formerly Invitae), Labcorp
Classification: Uncertain significance for Pitt-Hopkins-like syndrome 2. Last evaluated: 2020-02-12. Review status: criteria provided, single submitter. Criteria: Invitae Variant Classification Sherloc (09022015). Collection method: clinical testing. Allele origin: germline.
Comment: This variant has not been reported in the literature in individuals with NRXN1-related conditions. This variant is not present in population databases (ExAC no frequency). In summary, the available evidence is currently insufficient to determine the role of this variant in disease. Therefore, it has been classified as a Variant of Uncertain Significance. Algorithms developed to predict the effect of missense changes on protein structure and function are either unavailable or do not agree on the potential impact of this missense change (SIFT: "Deleterious"; PolyPhen-2: "Possibly Damaging"; Align-GVGD: "Class C0"). This sequence change replaces leucine with phenylalanine at codon 68 of the NRXN1 protein (p.Leu68Phe). The leucine residue is highly conserved and there is a small physicochemical difference between leucine and phenylalanine.

NM_001330078.2(NRXN1):c.202C>T (p.Leu68Phe)

Gene: NRXN1 (neurexin 1; minus strand). Cytogenetic location: 2p16.3.
Variant type: single nucleotide variant.
Coding change: c.202C>T on transcript NM_001330078.2 (MANE Select); coding-DNA position 202, C replaced by T.
Protein change: p.Leu68Phe; replaces leucine 68 with phenylalanine.
Molecular consequence: missense variant.
Genome position (GRCh38, 1-based): chr2:51,028,072, G>A on the plus strand (C>T on the coding strand, the complement: NRXN1 is on the minus strand). VCF-style: chr2-51028072-G-A. GRCh37 (hg19) VCF-style: chr2-51255210-G-A.
Other names: c.202C>T, p.Leu68Phe (NM_001330084.2, NM_001330085.2, NM_001330086.2 and 15 more transcripts); short protein forms L68F.
Identifiers: ClinVar variation 1035082 (VCV001035082.9), dbSNP rs1160149775, ClinGen allele CA346824482.